The following is an entry in ClinVar:

NM_003361.4(UMOD):c.1492C>T (p.Arg498Ter)

Gene: UMOD (uromodulin; minus strand). Cytogenetic location: 16p12.3.
Variant type: single nucleotide variant.
Coding change: c.1492C>T on transcript NM_003361.4 (MANE Select); coding-DNA position 1492, C replaced by T.
Protein change: p.Arg498Ter; replaces arginine 498 with a stop codon.
Molecular consequence: nonsense. On other transcripts: non-coding transcript variant (1).
Genome position (GRCh38, 1-based): chr16:20,341,176, G>A on the plus strand (C>T on the coding strand, the complement: UMOD is on the minus strand). VCF-style: chr16-20341176-G-A. GRCh37 (hg19) VCF-style: chr16-20352498-G-A.
Other names: c.1492C>T, p.Arg498Ter (NM_001008389.3, NM_001378232.1, NM_001378233.1); c.1591C>T, p.Arg531Ter (NM_001278614.2); c.1633C>T, p.Arg545Ter (NM_001378234.1, NM_001378235.1); short protein forms R498*, R531*, R545*.
Identifiers: ClinVar variation 2444082 (VCV002444082.3), dbSNP rs368993197, ClinGen allele CA7939124.

ClinVar aggregate classification (germline): Conflicting classifications of pathogenicity. Review status: criteria provided, conflicting classifications (1 of 4 stars). 2 submissions from 2 submitters: Likely pathogenic (1); Uncertain significance (1). Last evaluated 2023-02-23.

Conditions:
Familial juvenile hyperuricemic nephropathy type 1 (ADTKD1). Also called: Autosomal Dominant Tubulointerstitial Kidney Disease – UMOD; UMOD-Associated Kidney Disease; Uromodulin-associated kidney disease; Glomerulocystic kidney disease with hyperuricemia and isosthenuria; Medullary cystic kidney disease 2. Identifiers: Orphanet 209886, Orphanet 34149, Orphanet 88950, MedGen C4551496, MONDO:0008073, OMIM 162000.

Allele frequency attached by ClinVar (database versions not stated): TOPMed below 0.00001; ExAC 0.00001; gnomAD 0.00001; gnomAD exomes 0.00001; ESP Exome Variant Server 0.00008.

Submissions (2):

3billion
Classification: Likely pathogenic for Familial juvenile hyperuricemic nephropathy type 1. Last evaluated: 2023-02-23. Review status: criteria provided, single submitter. Criteria: ACMG Guidelines, 2015. Collection method: clinical testing. Allele origin: unknown. Affected: yes.
Comment: The variant is not observed in the gnomAD v2.1.1 dataset. This variant was predicted to result in a loss or disruption of normal protein function through nonsense-mediated decay (NMD) or protein truncation. Therefore, this variant is classified as Likely pathogenic according to the recommendation of ACMG/AMP guideline.

Juno Genomics, Hangzhou Juno Genomics, Inc
Classification: Uncertain significance for Familial juvenile hyperuricemic nephropathy type 1. Review status: criteria provided, single submitter. Criteria: ACMG Guidelines, 2015. Collection method: clinical testing. Allele origin: germline. Affected: yes.
Comment: Absent from controls (or at extremely low frequency if recessive) in Genome Aggregation Database, Exome Sequencing Project, 1000 Genomes Project, or Exome Aggregation Consortium.;Patient's phenotype or family history is highly specific for a disease with a single genetic etiology.